The following is an entry in ClinVar:

NM_015627.3(LDLRAP1):c.154dup (p.Tyr52fs)

Gene: LDLRAP1 (low density lipoprotein receptor adaptor protein 1; plus strand). Cytogenetic location: 1p36.11.
Variant type: Duplication.
Coding change: c.154dup on transcript NM_015627.3 (MANE Select); coding-DNA position 154, one base duplicated (T; older notation c.154dupT).
Protein change: p.Tyr52fs; shifts the reading frame from tyrosine 52.
Molecular consequence: frameshift variant.
Genome position (GRCh38, 1-based): chr1:25,553,987, T duplicated. VCF-style (leftmost placement, unchanged base first): chr1-25553986-G-GT. GRCh37 (hg19) VCF-style: chr1-25880477-G-GT.
Other names: short protein forms Y52fs.
Identifiers: ClinVar variation 4880519 (VCV004880519.2).
Genomic context (GRCh38, chr1:25,553,986, plus strand): 5'-GCCTGAGAACTGGACAGACACGCGGGAGACGCTGCTGGAGGGGATGCTGTTCAGCCTCAA[G>GT]TACCTGGGCATGACGCTAGTGGAGCAGCCCAAGGGTGAGGAGCTGTCGGCCGCCGCCATC-3'

ClinVar aggregate classification (germline): Likely pathogenic (1 of 4 stars; one submission).

Submission:

Dasa
Classification: Likely pathogenic. Last evaluated: 2025-11-14. Review status: criteria provided, single submitter. Criteria: DASA Assertion Criteria. Collection method: clinical testing. Allele origin: germline.
Comment: NM_015627.3(LDLRAP1):c.154dup (p.Tyr52Leufs*13) is a frameshift variant in LDLRAP1 predicted to alter the reading frame and introduce a premature termination codon and is predicted to result in an absent or altered protein product. Loss of function is an established disease mechanism for LDLRAP1-associated disorders. Also, this variant is absent from population databases. Based on the currently available evidence, this variant is classified as likely pathogenic.